The following is an entry in ClinVar:

ClinVar aggregate classification (germline): Uncertain significance. Review status: criteria provided, multiple submitters, no conflicts (2 of 4 stars). 2 submissions from 2 submitters: Uncertain significance (2). Last evaluated 2025-07-18.

Conditions:
Monocytopenia with susceptibility to infections. Also called: Dendritic cell, monocyte, B lymphocyte, and natural killer lymphocyte deficiency; GATA2 DEFICIENCY; MONOCYTOPENIA AND MYCOBACTERIAL INFECTION SYNDROME; MONOCYTOPENIA WITH SUSCEPTIBILITY TO MYCOBACTERIAL, FUNGAL, AND PAPILLOMAVIRUS INFECTIONS AND MYELODYSPLASIA; COMBINED IMMUNODEFICIENCY WITH SUSCEPTIBILITY TO MYCOBACTERIAL, VIRAL, AND FUNGAL INFECTIONS; IMMUNODEFICIENCY 21. Identifiers: Orphanet 228423, MedGen C3280030, MONDO:0013607, OMIM 614172.
Deafness-lymphedema-leukemia syndrome. Also called: Lymphedema, primary, with myelodysplasia; Emberger syndrome. Identifiers: Orphanet 3226, MedGen C3279664, MONDO:0013540, OMIM 614038.
Inborn genetic diseases. Identifiers: MedGen C0950123, MeSH D030342.

Submissions (2):

Ambry Genetics
Classification: Uncertain significance for Inborn genetic diseases. Last evaluated: 2025-07-18. Review status: criteria provided, single submitter. Criteria: Ambry Variant Classification Scheme 2023. Collection method: clinical testing. Allele origin: germline.
Comment: The p.V140A variant (also known as c.419T>C), located in coding exon 2 of the GATA2 gene, results from a T to C substitution at nucleotide position 419. The valine at codon 140 is replaced by alanine, an amino acid with similar properties. This amino acid position is well conserved in available vertebrate species. In addition, the in silico prediction for this alteration is inconclusive. Based on the available evidence, the clinical significance of this variant remains unclear.

Labcorp Genetics (formerly Invitae), Labcorp
Classification: Uncertain significance for Monocytopenia with susceptibility to infections; Deafness-lymphedema-leukemia syndrome. Last evaluated: 2023-07-17. Review status: criteria provided, single submitter. Criteria: Invitae Variant Classification Sherloc (09022015). Collection method: clinical testing. Allele origin: germline.
Comment: In summary, the available evidence is currently insufficient to determine the role of this variant in disease. Therefore, it has been classified as a Variant of Uncertain Significance. Advanced modeling of protein sequence and biophysical properties (such as structural, functional, and spatial information, amino acid conservation, physicochemical variation, residue mobility, and thermodynamic stability) performed at Invitae indicates that this missense variant is not expected to disrupt GATA2 protein function. ClinVar contains an entry for this variant (Variation ID: 644139). This variant has not been reported in the literature in individuals affected with GATA2-related conditions. This variant is not present in population databases (gnomAD no frequency). This sequence change replaces valine, which is neutral and non-polar, with alanine, which is neutral and non-polar, at codon 140 of the GATA2 protein (p.Val140Ala).

NM_032638.5(GATA2):c.419T>C (p.Val140Ala)

Gene: GATA2 (GATA binding protein 2; minus strand). Cytogenetic location: 3q21.3.
Variant type: single nucleotide variant.
Coding change: c.419T>C on transcript NM_032638.5 (MANE Select); coding-DNA position 419, T replaced by C.
Protein change: p.Val140Ala; replaces valine 140 with alanine.
Molecular consequence: missense variant.
Genome position (GRCh38, 1-based): chr3:128,486,179, A>G on the plus strand (T>C on the coding strand, the complement: GATA2 is on the minus strand). VCF-style: chr3-128486179-A-G. GRCh37 (hg19) VCF-style: chr3-128205022-A-G.
Other names: c.419T>C, p.Val140Ala (NM_001145661.2, NM_001145662.1); short protein forms V140A.
Identifiers: ClinVar variation 644139 (VCV000644139.9), dbSNP rs1576749003, ClinGen allele CA354406822.